The following is an entry in ClinVar:

ClinVar aggregate classification (germline): Pathogenic (0 of 4 stars; one submission).

Conditions:
Fanconi anemia complementation group A (FANCA). Also called: Fanconi anemia, group A; FANCA-Related Fanconi Anemia. Identifiers: Orphanet 84, MedGen C3469521, MONDO:0009215, OMIM 227650.

Submission:

Leiden Open Variation Database
Classification: Pathogenic for Fanconi anemia complementation group A. Last evaluated: 2020-02-28. Review status: no assertion criteria provided. Collection method: curation. Allele origin: germline. Affected: yes.
Comment: Curator: Arleen D. Auerbach. Submitter to LOVD: Arleen D. Auerbach.

NM_000135.4(FANCA):c.1220T>G (p.Leu407Arg)

Gene: FANCA (FA complementation group A; minus strand). Cytogenetic location: 16q24.3.
Variant type: single nucleotide variant.
Coding change: c.1220T>G on transcript NM_000135.4 (MANE Select); coding-DNA position 1220, T replaced by G.
Protein change: p.Leu407Arg; replaces leucine 407 with arginine.
Molecular consequence: missense variant.
Genome position (GRCh38, 1-based): chr16:89,791,932, A>C on the plus strand (T>G on the coding strand, the complement: FANCA is on the minus strand). VCF-style: chr16-89791932-A-C. GRCh37 (hg19) VCF-style: chr16-89858340-A-C.
Other names: c.1220T>G, p.Leu407Arg (NM_001286167.3); short protein forms L407R.
Identifiers: ClinVar variation 974010 (VCV000974010.1), dbSNP rs2040089994, ClinGen allele CA397465911.
Genomic context (GRCh38, chr16:89,791,932, plus strand): 5'-ACACCCCCCTACACACACTCTTGACCAGCACCACCGGGCTCGCGTAAAAGCTCACCTTCA[A>C]GCAGCTGCTGCGCTTCTGGAAAGCAGACAACCAGGGCAGACACAAAGGAGAGCACTCTCT-3'
Protein context (NP_000126.2, residues 397-417): VVCFPEAQQL[Leu407Arg]EDWVARLMAQ